The following is an entry in ClinVar:

NM_012448.4(STAT5B):c.1680+3G>A

Gene: STAT5B (signal transducer and activator of transcription 5B; minus strand). Cytogenetic location: 17q21.2.
Variant type: single nucleotide variant.
Coding change: c.1680+3G>A on transcript NM_012448.4 (MANE Select); 3 bases into the intron after coding-DNA position 1680, G replaced by A.
Molecular consequence: intron variant.
Genome position (GRCh38, 1-based): chr17:42,211,981, C>T on the plus strand (G>A on the coding strand, the complement: STAT5B is on the minus strand). VCF-style: chr17-42211981-C-T. GRCh37 (hg19) VCF-style: chr17-40363999-C-T.
Identifiers: ClinVar variation 4707029 (VCV004707029.1).

ClinVar aggregate classification (germline): Uncertain significance (1 of 4 stars; one submission).

Conditions:
Growth hormone insensitivity with immune dysregulation 1, autosomal recessive. Also called: GROWTH HORMONE INSENSITIVITY DUE TO POSTRECEPTOR DEFECT; LARON SYNDROME DUE TO POSTRECEPTOR DEFECT; GROWTH HORMONE INSENSITIVITY SYNDROME WITH IMMUNE DYSREGULATION 1, AUTOSOMAL RECESSIVE; Laron syndrome with immunodeficiency. Identifiers: Orphanet 220465, MedGen C5435698, MONDO:0100211, OMIM 245590.

gnomAD v4.1: 5 of 1,609,234 alleles (0.00031%); highest among the groups gnomAD compares: South Asian, 0.0011%; no homozygotes.

Submission:

Labcorp Genetics (formerly Invitae), Labcorp
Classification: Uncertain significance for Growth hormone insensitivity with immune dysregulation 1, autosomal recessive. Last evaluated: 2025-12-22. Review status: criteria provided, single submitter. Criteria: Invitae Variant Classification Sherloc (09022015). Collection method: clinical testing. Allele origin: germline.
Comment: This sequence change falls in intron 13 of the STAT5B gene. It does not directly change the encoded amino acid sequence of the STAT5B protein. It affects a nucleotide within the consensus splice site. This variant is present in population databases (rs747677045, gnomAD 0.002%). This variant has not been reported in the literature in individuals affected with STAT5B-related conditions. Variants that disrupt the consensus splice site are a relatively common cause of aberrant splicing (PMID: 17576681, 9536098). Algorithms developed to predict the effect of sequence changes on RNA splicing suggest that this variant is not likely to affect RNA splicing. In summary, the available evidence is currently insufficient to determine the role of this variant in disease. Therefore, it has been classified as a Variant of Uncertain Significance.

Literature cited by the submitters: PubMed 17576681; PubMed 9536098.